The following is an entry in ClinVar:

ClinVar aggregate classification (germline): Uncertain significance (1 of 4 stars; one submission).

Allele frequency attached by ClinVar (database versions not stated): TOPMed below 0.00001; gnomAD 0.00001; gnomAD exomes 0.00002 and 0.00005; ExAC 0.00007; 1000 Genomes Project 30x 0.00016; 1000 Genomes Project 0.00020.

Submission:

Labcorp Genetics (formerly Invitae), Labcorp
Classification: Uncertain significance. Last evaluated: 2023-11-20. Review status: criteria provided, single submitter. Criteria: Invitae Variant Classification Sherloc (09022015). Collection method: clinical testing. Allele origin: germline.
Comment: This sequence change replaces proline, which is neutral and non-polar, with leucine, which is neutral and non-polar, at codon 383 of the RAI1 protein (p.Pro383Leu). This variant is present in population databases (rs201600858, gnomAD 0.06%). This missense change has been observed in individual(s) with autism spectrum disorder (PMID: 24066114). ClinVar contains an entry for this variant (Variation ID: 1447027). Advanced modeling of protein sequence and biophysical properties (such as structural, functional, and spatial information, amino acid conservation, physicochemical variation, residue mobility, and thermodynamic stability) performed at Invitae indicates that this missense variant is expected to disrupt RAI1 protein function with a positive predictive value of 80%. In summary, the available evidence is currently insufficient to determine the role of this variant in disease. Therefore, it has been classified as a Variant of Uncertain Significance.

Literature cited by the submitters: PubMed 24066114.

NM_030665.4(RAI1):c.1148C>T (p.Pro383Leu)

Gene: RAI1 (retinoic acid induced 1; plus strand). Cytogenetic location: 17p11.2.
Variant type: single nucleotide variant.
Coding change: c.1148C>T on transcript NM_030665.4 (MANE Select); coding-DNA position 1148, C replaced by T.
Protein change: p.Pro383Leu; replaces proline 383 with leucine.
Molecular consequence: missense variant.
Genome position (GRCh38, 1-based): chr17:17,794,096, C>T. VCF-style: chr17-17794096-C-T. GRCh37 (hg19) VCF-style: chr17-17697410-C-T.
Other names: short protein forms P383L.
Identifiers: ClinVar variation 1447027 (VCV001447027.8), dbSNP rs201600858, ClinGen allele CA8418279.